The following is an entry in ClinVar:

NM_152327.5(AK7):c.668G>A (p.Gly223Asp)

Gene: AK7 (adenylate kinase 7; plus strand). Cytogenetic location: 14q32.2.
Variant type: single nucleotide variant.
Coding change: c.668G>A on transcript NM_152327.5 (MANE Select); coding-DNA position 668, G replaced by A.
Protein change: p.Gly223Asp; replaces glycine 223 with aspartic acid.
Molecular consequence: missense variant.
Genome position (GRCh38, 1-based): chr14:96,437,893, G>A. VCF-style: chr14-96437893-G-A. GRCh37 (hg19) VCF-style: chr14-96904230-G-A.
Other names: c.668G>A, p.Gly223Asp (NM_001350888.2, NM_001350890.2, NM_001350891.2 and 1 more transcripts); short protein forms G223D.
Identifiers: ClinVar variation 2898063 (VCV002898063.2), dbSNP rs777148549, ClinGen allele CA7337565.

ClinVar aggregate classification (germline): Uncertain significance (1 of 4 stars; one submission).

Allele frequency attached by ClinVar (database versions not stated): ExAC 0.00001; gnomAD 0.00003.
gnomAD v4.1: 15 of 1,613,574 alleles (0.00093%); highest among the groups gnomAD compares: African/African-American, 0.012%; no homozygotes.

Submission:

Labcorp Genetics (formerly Invitae), Labcorp
Classification: Uncertain significance. Last evaluated: 2023-10-24. Review status: criteria provided, single submitter. Criteria: Invitae Variant Classification Sherloc (09022015). Collection method: clinical testing. Allele origin: germline.
Comment: This sequence change replaces glycine, which is neutral and non-polar, with aspartic acid, which is acidic and polar, at codon 223 of the AK7 protein (p.Gly223Asp). The frequency data for this variant in the population databases is considered unreliable, as metrics indicate poor data quality at this position in the gnomAD database. This variant has not been reported in the literature in individuals affected with AK7-related conditions. Advanced modeling of protein sequence and biophysical properties (such as structural, functional, and spatial information, amino acid conservation, physicochemical variation, residue mobility, and thermodynamic stability) performed at Invitae indicates that this missense variant is not expected to disrupt AK7 protein function with a negative predictive value of 80%. In summary, the available evidence is currently insufficient to determine the role of this variant in disease. Therefore, it has been classified as a Variant of Uncertain Significance.